The following is an entry in ClinVar:

NM_001868.4(CPA1):c.1151C>G (p.Thr384Ser)

Gene: CPA1 (carboxypeptidase A1; plus strand). Cytogenetic location: 7q32.2.
Variant type: single nucleotide variant.
Coding change: c.1151C>G on transcript NM_001868.4 (MANE Select); coding-DNA position 1151, C replaced by G.
Protein change: p.Thr384Ser; replaces threonine 384 with serine.
Molecular consequence: missense variant.
Genome position (GRCh38, 1-based): chr7:130,387,902, C>G. VCF-style: chr7-130387902-C-G. GRCh37 (hg19) VCF-style: chr7-130027743-C-G.
Other names: short protein forms T384S.
Identifiers: ClinVar variation 1734120 (VCV001734120.3), dbSNP rs782571072, ClinGen allele CA369284345.
Genomic context (GRCh38, chr7:130,387,902, plus strand): 5'-CTATTGACTGGACCTACAGCCAGGGCATCAAGTACTCCTTCACCTTCGAGCTCCGGGACA[C>G]TGGGCGCTATGGCTTCCTGCTGCCAGCCTCCCAGATCATCCCCACAGCCAAGGAGACGTG-3'
Protein context (NP_001859.1, residues 374-394): KYSFTFELRD[Thr384Ser]GRYGFLLPAS

ClinVar aggregate classification (germline): Uncertain significance (1 of 4 stars; one submission).

Conditions:
Hereditary pancreatitis (PCTT). Also called: Hereditary chronic pancreatitis; PRSS1-Related Hereditary Pancreatitis. Identifiers: Orphanet 676, MedGen C0238339, MONDO:0008185, OMIM 167800.

Submission:

Ambry Genetics
Classification: Uncertain significance for Hereditary pancreatitis. Last evaluated: 2024-03-18. Review status: criteria provided, single submitter. Criteria: Ambry Variant Classification Scheme 2023. Collection method: clinical testing. Allele origin: germline.
Comment: The p.T384S variant (also known as c.1151C>G), located in coding exon 10 of the CPA1 gene, results from a C to G substitution at nucleotide position 1151. The threonine at codon 384 is replaced by serine, an amino acid with similar properties. This amino acid position is conserved. In addition, this alteration is predicted to be tolerated by in silico analysis. Since supporting evidence is limited at this time, the clinical significance of this alteration remains unclear.